The following is an entry in ClinVar:

NM_138295.5(PKD1L1):c.6063G>A (p.Pro2021=)

Gene: PKD1L1 (polycystin 1 like 1, transient receptor potential channel interacting; minus strand). Cytogenetic location: 7p12.3.
Variant type: single nucleotide variant.
Coding change: c.6063G>A on transcript NM_138295.5 (MANE Select); coding-DNA position 6063, G replaced by A.
Protein change: p.Pro2021=; no amino-acid change (proline 2021 retained).
Molecular consequence: synonymous variant.
Genome position (GRCh38, 1-based): chr7:47,835,031, C>T on the plus strand (G>A on the coding strand, the complement: PKD1L1 is on the minus strand). VCF-style: chr7-47835031-C-T. GRCh37 (hg19) VCF-style: chr7-47874629-C-T.
Identifiers: ClinVar variation 4983683 (VCV004983683.1).

ClinVar aggregate classification (germline): Likely benign (1 of 4 stars; one submission).

Conditions:
PKD1L1-related disorder. Also called: PKD1L1-related condition.

gnomAD v4.1: 7 of 1,613,698 alleles (0.00043%); highest among the groups gnomAD compares: African/African-American, 0.0027%; no homozygotes.

Submission:

PreventionGenetics, part of Exact Sciences
Classification: Likely benign for PKD1L1-related condition. Last evaluated: 2025-09-08. Review status: criteria provided, single submitter. Criteria: ACMG Guidelines, 2015. Collection method: clinical testing. Allele origin: germline.
Comment: This variant is classified as likely benign based on ACMG/AMP sequence variant interpretation guidelines (Richards et al. 2015 PMID: 25741868, with internal and published modifications).